The following is an entry in ClinVar:

ClinVar aggregate classification (germline): Uncertain significance. Review status: criteria provided, multiple submitters, no conflicts (2 of 4 stars). 3 submissions from 3 submitters: Uncertain significance (3). Last evaluated 2026-01-14.

Conditions:
Ullrich congenital muscular dystrophy 2 (UCMD2). Identifiers: Orphanet 75840, MedGen C4225314, MONDO:0014654, OMIM 616470.
Inborn genetic diseases. Identifiers: MedGen C0950123, MeSH D030342.

Submissions (3):

GeneDx
Classification: Uncertain significance. Last evaluated: 2026-01-14. Review status: criteria provided, single submitter. Criteria: GeneDx Variant Classification Process June 2021. Collection method: clinical testing. Allele origin: germline. Affected: yes.
Comment: Not observed at significant frequency in large population cohorts (gnomAD); In silico analysis supports that this missense variant has a deleterious effect on protein structure/function; Has not been previously published as pathogenic or benign to our knowledge

Ambry Genetics
Classification: Uncertain significance for Inborn genetic diseases. Last evaluated: 2024-03-25. Review status: criteria provided, single submitter. Criteria: Ambry Variant Classification Scheme 2023. Collection method: clinical testing. Allele origin: germline.

CENTOGENE GmbH and LLC - Guiding Precision Medicine
Classification: Uncertain significance for Ullrich congenital muscular dystrophy 2. Last evaluated: 2019-04-18. Review status: criteria provided, single submitter. Criteria: ACMG Guidelines, 2015. Collection method: clinical testing. Allele origin: maternal. Affected: yes.

NM_004370.6(COL12A1):c.7240G>T (p.Val2414Phe)

Genes: COL12A1 (collagen type XII alpha 1 chain; minus strand), LOC126859712 (MED14-independent group 3 enhancer GRCh37_chr6:75828643-75829842; plus strand). Cytogenetic location: 6q13.
Variant type: single nucleotide variant.
Coding change: c.7240G>T on transcript NM_004370.6 (MANE Select); coding-DNA position 7240, G replaced by T.
Protein change: p.Val2414Phe; replaces valine 2414 with phenylalanine.
Molecular consequence: missense variant.
Genome position (GRCh38, 1-based): chr6:75,119,157, C>A on the plus strand (G>T on the coding strand, the complement: COL12A1 is on the minus strand). VCF-style: chr6-75119157-C-A. GRCh37 (hg19) VCF-style: chr6-75828873-C-A.
Other names: c.3748G>T, p.Val1250Phe (NM_080645.3); short protein forms V1250F, V2414F.
Identifiers: ClinVar variation 1208562 (VCV001208562.7), dbSNP rs2149366348, ClinGen allele CA364748050.
Genomic context (GRCh38, chr6:75,119,157, plus strand): 5'-CCGTGACCACAACCAACACCTTAGGGACATTCTTCCTCATGCCGCTCTCCCAAGTCAAGA[C>A]TTTCTCCTTGATAAACGTGAGGGCCTTGCCTACAGAATGTGGCATGGAAAATTTTAGTGT-3'
Protein context (NP_004361.3, residues 2404-2424): GKALTFIKEK[Val2414Phe]LTWESGMRKN